The following is an entry in ClinVar:

NM_017780.4(CHD7):c.3233A>C (p.His1078Pro)

Gene: CHD7 (chromodomain helicase DNA binding protein 7; plus strand). Cytogenetic location: 8q12.2.
Variant type: single nucleotide variant.
Coding change: c.3233A>C on transcript NM_017780.4 (MANE Select); coding-DNA position 3233, A replaced by C.
Protein change: p.His1078Pro; replaces histidine 1078 with proline.
Molecular consequence: missense variant. On other transcripts: intron variant (1).
Genome position (GRCh38, 1-based): chr8:60,823,871, A>C. VCF-style: chr8-60823871-A-C. GRCh37 (hg19) VCF-style: chr8-61736430-A-C.
Other names: c.1717-38358A>C (NM_001316690.1); short protein forms H1078P.
Identifiers: ClinVar variation 4995269 (VCV004995269.1).

ClinVar aggregate classification (germline): Likely pathogenic (1 of 4 stars; one submission).

Conditions:
CHD7-related disorder. Also called: CHD7-related condition.

Submission:

PreventionGenetics, part of Exact Sciences
Classification: Likely pathogenic for CHD7-related condition. Last evaluated: 2026-09-04. Review status: criteria provided, single submitter. Criteria: ACMG Guidelines, 2015. Collection method: clinical testing. Allele origin: germline.
Comment: The CHD7 c.3233A>C variant is predicted to result in the amino acid substitution p.His1078Pro. To our knowledge, this variant has not been reported in the literature or in a large population database (gnomAD), indicating this variant is rare. This variant is predicted to be damaging by an in silico algorithm (REVEL, Ioannidis et al. 2016, PubMed ID: 27666373). This variant is interpreted as likely pathogenic.